The following is an entry in ClinVar:

ClinVar aggregate classification (germline): Conflicting classifications of pathogenicity. Review status: criteria provided, conflicting classifications (1 of 4 stars). 2 submissions from 2 submitters: Uncertain significance (1); Likely benign (1). Last evaluated 2025-06-11.

Allele frequency attached by ClinVar (database versions not stated): gnomAD exomes below 0.00001; gnomAD 0.00002; TOPMed 0.00002.
gnomAD v4.1: 4 of 1,612,398 alleles (0.00025%); highest among the groups gnomAD compares: African/African-American, 0.004%; no homozygotes.

Submissions (2):

Labcorp Genetics (formerly Invitae), Labcorp
Classification: Uncertain significance. Last evaluated: 2025-06-11. Review status: criteria provided, single submitter. Criteria: Invitae Variant Classification Sherloc (09022015). Collection method: clinical testing. Allele origin: germline.
Comment: This sequence change replaces valine, which is neutral and non-polar, with alanine, which is neutral and non-polar, at codon 237 of the ZHX3 protein (p.Val237Ala). This variant is not present in population databases (gnomAD no frequency). This variant has not been reported in the literature in individuals affected with ZHX3-related conditions. ClinVar contains an entry for this variant (Variation ID: 2272846). An algorithm developed to predict the effect of missense changes on protein structure and function outputs the following: PolyPhen-2: "Benign". The alanine amino acid residue is found in multiple mammalian species, which suggests that this missense change does not adversely affect protein function. In summary, the available evidence is currently insufficient to determine the role of this variant in disease. Therefore, it has been classified as a Variant of Uncertain Significance.

Ambry Genetics
Classification: Likely benign. Last evaluated: 2022-01-26. Review status: criteria provided, single submitter. Criteria: Ambry Variant Classification Scheme 2023. Collection method: clinical testing. Allele origin: germline.

NM_001384317.1(ZHX3):c.710T>C (p.Val237Ala)

Gene: ZHX3 (zinc fingers and homeoboxes 3; minus strand). Cytogenetic location: 20q12.
Variant type: single nucleotide variant.
Coding change: c.710T>C on transcript NM_001384317.1 (MANE Select); coding-DNA position 710, T replaced by C.
Protein change: p.Val237Ala; replaces valine 237 with alanine.
Molecular consequence: missense variant.
Genome position (GRCh38, 1-based): chr20:41,204,207, A>G on the plus strand (T>C on the coding strand, the complement: ZHX3 is on the minus strand). VCF-style: chr20-41204207-A-G. GRCh37 (hg19) VCF-style: chr20-39832847-A-G.
Other names: c.710T>C, p.Val237Ala (NM_001384315.1, NM_001384316.1, NM_001384318.1 and 8 more transcripts); short protein forms V237A.
Identifiers: ClinVar variation 2272846 (VCV002272846.3), dbSNP rs915243358, ClinGen allele CA314469996.